The following is an entry in ClinVar:

ClinVar aggregate classification (germline): Uncertain significance. Review status: criteria provided, multiple submitters, no conflicts (2 of 4 stars). 2 submissions from 2 submitters: Uncertain significance (2). Last evaluated 2024-10-24.

Allele frequency attached by ClinVar (database versions not stated): gnomAD exomes 0.00002 and 0.00007; ExAC 0.00008; 1000 Genomes Project 0.00020; ESP Exome Variant Server 0.00023; gnomAD 0.00029 and 0.00035; 1000 Genomes Project 30x 0.00031; TOPMed 0.00033.

Submissions (2):

Labcorp Genetics (formerly Invitae), Labcorp
Classification: Uncertain significance. Last evaluated: 2024-10-24. Review status: criteria provided, single submitter. Criteria: Invitae Variant Classification Sherloc (09022015). Collection method: clinical testing. Allele origin: germline.
Comment: This sequence change replaces valine, which is neutral and non-polar, with alanine, which is neutral and non-polar, at codon 120 of the GORAB protein (p.Val120Ala). This variant is present in population databases (rs147859830, gnomAD 0.1%). This variant has not been reported in the literature in individuals affected with GORAB-related conditions. ClinVar contains an entry for this variant (Variation ID: 1367571). An algorithm developed to predict the effect of missense changes on protein structure and function outputs the following: PolyPhen-2: "Benign". The alanine amino acid residue is found in multiple mammalian species, which suggests that this missense change does not adversely affect protein function. In summary, the available evidence is currently insufficient to determine the role of this variant in disease. Therefore, it has been classified as a Variant of Uncertain Significance.

Breakthrough Genomics
Classification: Uncertain significance. Review status: criteria provided, single submitter. Criteria: ACMG Guidelines, 2015. Collection method: not provided. Allele origin: germline. Inheritance: Autosomal recessive inheritance. Affected: yes.

NM_152281.3(GORAB):c.284T>C (p.Val95Ala)

Gene: GORAB (golgin, RAB6 interacting; plus strand). Cytogenetic location: 1q24.2.
Variant type: single nucleotide variant.
Coding change: c.284T>C on transcript NM_152281.3 (MANE Select); coding-DNA position 284, T replaced by C.
Protein change: p.Val95Ala; replaces valine 95 with alanine.
Molecular consequence: missense variant. On other transcripts: 5 prime UTR variant (1), non-coding transcript variant (1).
Genome position (GRCh38, 1-based): chr1:170,539,432, T>C. VCF-style: chr1-170539432-T-C. GRCh37 (hg19) VCF-style: chr1-170508573-T-C.
Other names: c.284T>C, p.Val95Ala (NM_001146039.2); c.-182T>C (NM_001320252.2); short protein forms V95A.
Identifiers: ClinVar variation 1367571 (VCV001367571.5), dbSNP rs147859830, ClinGen allele CA1239087.